The following is an entry in ClinVar:

ClinVar aggregate classification (germline): Uncertain significance. Review status: criteria provided, single submitter (1 of 4 stars). 2 submissions from 2 submitters: Uncertain significance (1). 1 of the submissions does not count toward it. Last evaluated 2021-08-28.

Conditions:
Primary ciliary dyskinesia. Also called: Ciliary dyskinesia. Identifiers: Orphanet 244, MedGen C0008780, MONDO:0016575, HP:0012265.

Allele frequency attached by ClinVar (database versions not stated): TOPMed below 0.00001; gnomAD 0.00001; gnomAD exomes 0.00001 and 0.00002; ExAC 0.00002; 1000 Genomes Project 30x 0.00016; 1000 Genomes Project 0.00020.
gnomAD v4.1: 6 of 1,613,896 alleles (0.00037%); highest among the groups gnomAD compares: South Asian, 0.0033%; no homozygotes.

Submissions (2):

Labcorp Genetics (formerly Invitae), Labcorp
Classification: Uncertain significance for Primary ciliary dyskinesia. Last evaluated: 2021-08-28. Review status: criteria provided, single submitter. Criteria: Invitae Variant Classification Sherloc (09022015). Collection method: clinical testing. Allele origin: germline.
Comment: This sequence change replaces serine with asparagine at codon 2399 of the DNAH5 protein (p.Ser2399Asn). The serine residue is highly conserved and there is a small physicochemical difference between serine and asparagine. This variant is present in population databases (rs550329660, ExAC 0.01%). This variant has not been reported in the literature in individuals affected with DNAH5-related conditions. Algorithms developed to predict the effect of missense changes on protein structure and function are either unavailable or do not agree on the potential impact of this missense change (SIFT: "Deleterious"; PolyPhen-2: "Benign"; Align-GVGD: "Class C45"). In summary, the available evidence is currently insufficient to determine the role of this variant in disease. Therefore, it has been classified as a Variant of Uncertain Significance.

Natera, Inc.
Classification: Uncertain significance for Primary ciliary dyskinesia. Last evaluated: 2019-10-28. Review status: no assertion criteria provided. Collection method: clinical testing. Allele origin: germline. Not counted in ClinVar's aggregate classification.

NM_001369.3(DNAH5):c.7196G>A (p.Ser2399Asn)

Gene: DNAH5 (dynein axonemal heavy chain 5; minus strand). Cytogenetic location: 5p15.2.
Variant type: single nucleotide variant.
Coding change: c.7196G>A on transcript NM_001369.3 (MANE Select); coding-DNA position 7196, G replaced by A.
Protein change: p.Ser2399Asn; replaces serine 2399 with asparagine.
Molecular consequence: missense variant.
Genome position (GRCh38, 1-based): chr5:13,814,639, C>T on the plus strand (G>A on the coding strand, the complement: DNAH5 is on the minus strand). VCF-style: chr5-13814639-C-T. GRCh37 (hg19) VCF-style: chr5-13814748-C-T.
Other names: short protein forms S2399N.
Identifiers: ClinVar variation 525286 (VCV000525286.10), dbSNP rs550329660, ClinGen allele CA3203160.